The following is an entry in ClinVar:

NM_001385641.1(SAMD11):c.1418G>A (p.Gly473Asp)

Gene: SAMD11 (sterile alpha motif domain containing 11; plus strand). Cytogenetic location: 1p36.33.
Variant type: single nucleotide variant.
Coding change: c.1418G>A on transcript NM_001385641.1 (MANE Select); coding-DNA position 1418, G replaced by A.
Protein change: p.Gly473Asp; replaces glycine 473 with aspartic acid.
Molecular consequence: missense variant.
Genome position (GRCh38, 1-based): chr1:942,195, G>A. VCF-style: chr1-942195-G-A. GRCh37 (hg19) VCF-style: chr1-877575-G-A.
Other names: c.1421G>A, p.Gly474Asp (NM_001385640.1); c.929G>A, p.Gly310Asp (NM_152486.4); short protein forms G473D, G310D, G474D.
Identifiers: ClinVar variation 1364213 (VCV001364213.8), dbSNP rs1487351340, ClinGen allele CA337806634.

ClinVar aggregate classification (germline): Uncertain significance (1 of 4 stars; one submission).

Allele frequency attached by ClinVar (database versions not stated): gnomAD 0.00001; gnomAD exomes 0.00001.
gnomAD v4.1: 10 of 1,391,372 alleles (0.00072%); highest among the groups gnomAD compares: South Asian, 0.0017%; no homozygotes.

Submission:

Labcorp Genetics (formerly Invitae), Labcorp
Classification: Uncertain significance. Last evaluated: 2021-06-27. Review status: criteria provided, single submitter. Criteria: Invitae Variant Classification Sherloc (09022015). Collection method: clinical testing. Allele origin: germline.
Comment: This variant has not been reported in the literature in individuals with SAMD11-related conditions. This variant is not present in population databases (ExAC no frequency). This sequence change replaces glycine with aspartic acid at codon 310 of the SAMD11 protein (p.Gly310Asp). The glycine residue is highly conserved and there is a moderate physicochemical difference between glycine and aspartic acid. In summary, the available evidence is currently insufficient to determine the role of this variant in disease. Therefore, it has been classified as a Variant of Uncertain Significance. Algorithms developed to predict the effect of missense changes on protein structure and function are either unavailable or do not agree on the potential impact of this missense change (SIFT: "Deleterious"; PolyPhen-2: "Probably Damaging"; Align-GVGD: "Class C0").